The following is an entry in ClinVar:

ClinVar aggregate classification (germline): Pathogenic (0 of 4 stars; one submission).

Conditions:
Steinert myotonic dystrophy syndrome (DM1). Also called: STEINERT DISEASE; Myotonic dystrophy type 1; Dystrophia myotonica type 1; Steinert myotonic dystrophy; Steinert's disease. Identifiers: Orphanet 273, MedGen C3250443, MONDO:0008056, OMIM 160900.

Submission:

Institute of Molecular, Cell and Systems Biology, University of Glasgow
Classification: Pathogenic for Steinert myotonic dystrophy syndrome. Review status: no assertion criteria provided. Criteria: research. Collection method: research. Allele origin: germline. Inheritance: Autosomal dominant inheritance. Affected: yes. Observed: 1 heterozygote.
Comment: DMPK CTG repeat expansions greater than approximately 45-50 repeats are assumed to be pathogenic

This record is based on data published in PubMed 25052313, which reports only ClinVar accessions SCV000120188 and SCV000120189. The complete data set includes SCV000207445 - SCV000207579.

Literature cited by the submitters: PubMed 1346923; PubMed 1546326; PubMed 25052313.

NM_004409.5(DMPK):c.*224CTG[256]

Genes: DM1-AS (DM1 locus antisense RNA; plus strand), DMPK (DM1 protein kinase; minus strand), LOC107075317 (origin of replication in DMPK trinucleotide repeat region; plus strand), LOC109461477 (dystrophia myotonica protein kinase repeat instability region; plus strand). Cytogenetic location: 19q13.32.
Variant type: Microsatellite.
Coding change: c.*224CTG[256] on transcript NM_004409.5 (MANE Select); 256 copies in a row of the 3-base unit CTG starting at c.*224.
Molecular consequence: 3 prime UTR variant.
Genome position: GRCh38, VCF-style position (the base before the change): chr19:45,770,204. GRCh37 (hg19), VCF-style position (the base before the change): chr19:46,273,462.
Other names: DM1 CTG repeat expansion; c.*222_*224TGC[256] (NM_001081563.3); c.*217CTG[256] (NM_001424163.1, NM_001424166.1, NM_001288765.2 and 2 more transcripts); c.*369CTG[256] (NM_001424164.1, NM_001288766.2, NM_001424168.1); c.*224CTG[256] (NM_001424165.1, NM_001288764.2, NM_001081560.3 and 1 more transcripts).
Identifiers: ClinVar variation 187947 (VCV000187947.1), ClinGen allele CA915951745.